The following is an entry in ClinVar:

ClinVar aggregate classification (germline): Benign. Review status: criteria provided, multiple submitters, no conflicts (2 of 4 stars). 4 submissions from 4 submitters: Benign (3). 1 of the submissions does not count toward it. Last evaluated 2026-01-01.

Conditions:
DNHD1-related disorder. Also called: DNHD1-related condition.

Allele frequency attached by ClinVar (database versions not stated): 1000 Genomes Project 0.00379; 1000 Genomes Project 30x 0.00437; gnomAD 0.00554; TOPMed 0.00669; ExAC 0.00678; ESP Exome Variant Server 0.00723.
gnomAD v4.1: 15,694 of 1,611,448 alleles (0.97%); highest among the groups gnomAD compares: Non-Finnish European, 1.2%; 101 homozygotes.

Submissions (4):

CeGaT Center for Human Genetics Tuebingen
Classification: Benign. Last evaluated: 2026-01-01. Review status: criteria provided, single submitter. Criteria: CeGaT Center For Human Genetics Tuebingen Variant Classification Criteria Version 2. Collection method: clinical testing. Allele origin: germline. Affected: yes. Observed: 6 variant alleles.
Comment: DNHD1: BP4, BP7, BS1, BS2

Labcorp Genetics (formerly Invitae), Labcorp
Classification: Benign. Last evaluated: 2019-12-31. Review status: criteria provided, single submitter. Criteria: Invitae Variant Classification Sherloc (09022015). Collection method: clinical testing. Allele origin: germline.

Breakthrough Genomics
Classification: Benign. Review status: criteria provided, single submitter. Criteria: ACMG Guidelines, 2015. Collection method: not provided. Allele origin: germline. Inheritance: Autosomal recessive inheritance. Affected: yes.

PreventionGenetics, part of Exact Sciences
Classification: Benign for DNHD1-related condition. Last evaluated: 2019-03-13. Review status: no assertion criteria provided. Collection method: clinical testing. Allele origin: germline. Not counted in ClinVar's aggregate classification.
Comment: This variant is classified as benign based on ACMG/AMP sequence variant interpretation guidelines (Richards et al. 2015 PMID: 25741868, with internal and published modifications).

NM_144666.3(DNHD1):c.9G>A (p.Pro3=)

Gene: DNHD1 (dynein heavy chain domain 1; plus strand). Cytogenetic location: 11p15.4.
Variant type: single nucleotide variant.
Coding change: c.9G>A on transcript NM_144666.3 (MANE Select); coding-DNA position 9, G replaced by A.
Protein change: p.Pro3=; no amino-acid change (proline 3 retained).
Molecular consequence: synonymous variant.
Genome position (GRCh38, 1-based): chr11:6,498,224, G>A. VCF-style: chr11-6498224-G-A. GRCh37 (hg19) VCF-style: chr11-6519454-G-A.
Other names: c.9G>A, p.Pro3= (NM_173589.4).
Identifiers: ClinVar variation 770398 (VCV000770398.34), dbSNP rs117055865, ClinGen allele CA5855247.
Genomic context (GRCh38, chr11:6,498,224, plus strand): 5'-GCCTGAGCTATGGGCAAGGTCACTTCGACAGCAGTTGAATGCCCAGCTCCTCATGGTCCC[G>A]GAGGAGAGGAGGGTAGGTTTGTCTTCTGATGAGACATCATCTGATTCCCTTAAGTCTTGG-3'
Protein context (NP_653267.2, residues 1-13): MV[Pro3=]EERRVGLSSD